The following is an entry in ClinVar:

ClinVar aggregate classification (germline): Benign. Review status: criteria provided, single submitter (1 of 4 stars). 2 submissions from 1 submitter: Benign (2). Last evaluated 2018-01-13.

Conditions:
Mucolipidosis type II. Also called: Mucolipidosis II Alpha/Beta; ML II ALPHA/BETA; Mucolipidosis 2; ML 2; Inclusion cell disease; Leroy Disease. Identifiers: Orphanet 576, MedGen C2673377, MONDO:0009650, OMIM 252500.
Pseudo-Hurler polydystrophy. Also called: MUCOLIPIDOSIS IIIA; ML IIIA; Mucolipidosis III Alpha/Beta; ML III; ML III ALPHA/BETA; Type III Mucolipidosis. Identifiers: Orphanet 423461, Orphanet 577, MedGen C0033788, MONDO:0018931, OMIM 252600.

Allele frequency attached by ClinVar (database versions not stated): gnomAD 0.01132 and 0.01208; 1000 Genomes Project 30x 0.01296; 1000 Genomes Project 0.01278; TOPMed 0.01324.

Submissions (2):

Illumina Laboratory Services, Illumina
Classification: Benign for Mucolipidosis type II. Last evaluated: 2018-01-13. Review status: criteria provided, single submitter. Criteria: ICSL Variant Classification Criteria 13 December 2019. Collection method: clinical testing. Allele origin: germline.
Comment: This variant was observed in the ICSL laboratory as part of a predisposition screen in an ostensibly healthy population. It had not been previously curated by ICSL or reported in the Human Gene Mutation Database (HGMD: prior to June 1st, 2018), and was therefore a candidate for classification through an automated scoring system. Utilizing variant allele frequency, disease prevalence and penetrance estimates, and inheritance mode, an automated score was calculated to assess if this variant is too frequent to cause the disease. Based on the score and internal cut-off values, a variant classified as benign is not then subjected to further curation. The score for this variant resulted in a classification of benign for this disease.

Illumina Laboratory Services, Illumina
Classification: Benign for Pseudo-Hurler polydystrophy. Last evaluated: 2018-01-13. Review status: criteria provided, single submitter. Criteria: ICSL Variant Classification Criteria 13 December 2019. Collection method: clinical testing. Allele origin: germline.
Comment: the same text as in the submission from Illumina Laboratory Services, Illumina above.

NM_024312.5(GNPTAB):c.*612T>C

Gene: GNPTAB (N-acetylglucosamine-1-phosphate transferase subunits alpha and beta; minus strand). Cytogenetic location: 12q23.2.
Variant type: single nucleotide variant.
Coding change: c.*612T>C on transcript NM_024312.5 (MANE Select); 612 bases downstream of the stop codon, T replaced by C.
Molecular consequence: 3 prime UTR variant.
Genome position (GRCh38, 1-based): chr12:101,746,552, A>G on the plus strand (T>C on the coding strand, the complement: GNPTAB is on the minus strand). VCF-style: chr12-101746552-A-G. GRCh37 (hg19) VCF-style: chr12-102140330-A-G.
Identifiers: ClinVar variation 306783 (VCV000306783.5), dbSNP rs57261919, ClinGen allele CA10640634.